The following is an entry in ClinVar:

ClinVar aggregate classification (germline): Uncertain significance (1 of 4 stars; one submission).

Conditions:
VPS13B-related disorder. Also called: VPS13B-related condition.

Submission:

PreventionGenetics, part of Exact Sciences
Classification: Uncertain significance for VPS13B-related condition. Last evaluated: 2026-09-03. Review status: criteria provided, single submitter. Criteria: ACMG Guidelines, 2015. Collection method: clinical testing. Allele origin: germline.
Comment: The VPS13B c.5658A>T variant is predicted to result in the amino acid substitution p.Lys1886Asn. To our knowledge, this variant has not been reported in the literature or in a large population database (gnomAD), indicating this variant is rare. At this time, the clinical significance of this variant is uncertain due to the absence of conclusive functional and genetic evidence.

NM_152564.5(VPS13B):c.5658A>T (p.Lys1886Asn)

Gene: VPS13B (vacuolar protein sorting 13 homolog B; plus strand). Cytogenetic location: 8q22.2.
Variant type: single nucleotide variant.
Coding change: c.5658A>T on transcript NM_152564.5 (MANE Select); coding-DNA position 5658, A replaced by T.
Protein change: p.Lys1886Asn; replaces lysine 1886 with asparagine.
Molecular consequence: missense variant.
Genome position (GRCh38, 1-based): chr8:99,642,248, A>T. VCF-style: chr8-99642248-A-T. GRCh37 (hg19) VCF-style: chr8-100654476-A-T.
Other names: c.5733A>T, p.Lys1911Asn (NM_017890.5); short protein forms K1886N, K1911N.
Identifiers: ClinVar variation 3346303 (VCV003346303.2).